The following is an entry in ClinVar:

NM_145290.4(ADGRA3):c.521A>G (p.Asp174Gly)

Gene: ADGRA3 (adhesion G protein-coupled receptor A3; minus strand). Cytogenetic location: 4p15.2.
Variant type: single nucleotide variant.
Coding change: c.521A>G on transcript NM_145290.4 (MANE Select); coding-DNA position 521, A replaced by G.
Protein change: p.Asp174Gly; replaces aspartic acid 174 with glycine.
Molecular consequence: missense variant.
Genome position (GRCh38, 1-based): chr4:22,447,464, T>C on the plus strand (A>G on the coding strand, the complement: ADGRA3 is on the minus strand). VCF-style: chr4-22447464-T-C. GRCh37 (hg19) VCF-style: chr4-22449087-T-C.
Other names: short protein forms D174G.
Identifiers: ClinVar variation 4725914 (VCV004725914.1).

ClinVar aggregate classification (germline): Uncertain significance (1 of 4 stars; one submission).

Submission:

Labcorp Genetics (formerly Invitae), Labcorp
Classification: Uncertain significance. Last evaluated: 2025-08-24. Review status: criteria provided, single submitter. Criteria: Invitae Variant Classification Sherloc (09022015). Collection method: clinical testing. Allele origin: germline.
Comment: This sequence change replaces aspartic acid, which is acidic and polar, with glycine, which is neutral and non-polar, at codon 174 of the ADGRA3 protein (p.Asp174Gly). This variant is not present in population databases (gnomAD no frequency). This variant has not been reported in the literature in individuals affected with ADGRA3-related conditions. An algorithm developed to predict the effect of missense changes on protein structure and function (PolyPhen-2) suggests that this variant is likely to be disruptive. In summary, the available evidence is currently insufficient to determine the role of this variant in disease. Therefore, it has been classified as a Variant of Uncertain Significance.